The following is an entry in ClinVar:

NM_005450.6(NOG):c.338C>T (p.Ser113Leu)

Gene: NOG (noggin; plus strand). Cytogenetic location: 17q22.
Variant type: single nucleotide variant.
Coding change: c.338C>T on transcript NM_005450.6 (MANE Select); coding-DNA position 338, C replaced by T.
Protein change: p.Ser113Leu; replaces serine 113 with leucine.
Molecular consequence: missense variant.
Genome position (GRCh38, 1-based): chr17:56,594,561, C>T. VCF-style: chr17-56594561-C-T. GRCh37 (hg19) VCF-style: chr17-54671922-C-T.
Other names: c.338C>T (NM_005450.4); short protein forms S113L.
Identifiers: ClinVar variation 2200452 (VCV002200452.6), dbSNP rs371150691, ClinGen allele CA8663187.

ClinVar aggregate classification (germline): Conflicting classifications of pathogenicity. Review status: criteria provided, conflicting classifications (1 of 4 stars). 3 submissions from 3 submitters: Uncertain significance (2); Likely benign (1). Last evaluated 2025-12-10.

Conditions:
Inborn genetic diseases. Identifiers: MedGen C0950123, MeSH D030342.

Allele frequency attached by ClinVar (database versions not stated): gnomAD 0.00005; ExAC 0.00007; ESP Exome Variant Server 0.00008; TOPMed 0.00008; gnomAD exomes 0.00009.
gnomAD v4.1: 134 of 1,594,252 alleles (0.0084%); highest among the groups gnomAD compares: Non-Finnish European, 0.011%; no homozygotes.

Submissions (3):

Labcorp Genetics (formerly Invitae), Labcorp
Classification: Uncertain significance. Last evaluated: 2025-12-10. Review status: criteria provided, single submitter. Criteria: Invitae Variant Classification Sherloc (09022015). Collection method: clinical testing. Allele origin: germline.
Comment: This sequence change replaces serine, which is neutral and polar, with leucine, which is neutral and non-polar, at codon 113 of the NOG protein (p.Ser113Leu). This variant is present in population databases (rs371150691, gnomAD 0.01%). This variant has not been reported in the literature in individuals affected with NOG-related conditions. ClinVar contains an entry for this variant (Variation ID: 2200452). An algorithm developed to predict the effect of missense changes on protein structure and function (PolyPhen-2) suggests that this variant is likely to be tolerated. In summary, the available evidence is currently insufficient to determine the role of this variant in disease. Therefore, it has been classified as a Variant of Uncertain Significance.

Ambry Genetics
Classification: Uncertain significance for Inborn genetic diseases. Last evaluated: 2025-06-03. Review status: criteria provided, single submitter. Criteria: Ambry Variant Classification Scheme 2023. Collection method: clinical testing. Allele origin: germline.

Blueprint Genetics
Classification: Likely benign. Last evaluated: 2024-06-24. Review status: criteria provided, single submitter. Criteria: ACMG Guidelines, 2015. Collection method: clinical testing. Allele origin: germline.